The following is an entry in ClinVar:

ClinVar aggregate classification (germline): Pathogenic. Review status: reviewed by expert panel (3 of 4 stars). 16 submissions from 16 submitters: Pathogenic (1). 15 of the submissions do not count toward it. Last evaluated 2016-09-08.

Conditions:
Hereditary cancer-predisposing syndrome. Also called: Tumor predisposition; Neoplastic Syndromes, Hereditary; Hereditary Cancer Syndrome; Hereditary neoplastic syndrome. Identifiers: Orphanet 140162, MedGen C0027672, MeSH D009386, MONDO:0015356.
Hereditary breast ovarian cancer syndrome. Also called: Hereditary breast and ovarian cancer syndrome (HBOC); Hereditary breast and ovarian cancer syndrome; Hereditary breast and ovarian cancer; Hereditary breast and/or ovarian cancer syndrome; Breast and ovarian cancer; BRCA1- and BRCA2-Associated Hereditary Breast and Ovarian Cancer. Identifiers: Orphanet 145, MedGen C0677776, MeSH D061325, MONDO:0003582. Disease mechanism: loss of function.
Breast-ovarian cancer, familial, susceptibility to, 1 (BROVCA1). Also called: OVARIAN CANCER, SUSCEPTIBILITY TO; BRCA1 Hereditary Breast and Ovarian Cancer. Identifiers: Orphanet 145, MedGen C2676676, MONDO:0011450, OMIM 604370. Disease mechanism: loss of function.
Familial cancer of breast. Also called: Hereditary breast cancer; hereditary breast carcinoma; BREAST CANCER, FAMILIAL. Identifiers: Orphanet 227535, MedGen C0346153, MONDO:0016419, OMIM 114480. Disease mechanism: loss of function.

Submissions (16):

Evidence-based Network for the Interpretation of Germline Mutant Alleles (ENIGMA)
Classification: Pathogenic for Breast-ovarian cancer, familial, susceptibility to, 1. Last evaluated: 2016-09-08. Review status: reviewed by expert panel. Criteria: ENIGMA BRCA1/2 Classification Criteria (2015). Collection method: curation. Allele origin: germline.
Comment: Variant allele predicted to encode a truncated non-functional protein.

Ambry Genetics
Classification: Pathogenic for Hereditary cancer-predisposing syndrome. Last evaluated: 2025-12-17. Review status: criteria provided, single submitter. Criteria: Ambry Variant Classification Scheme 2023. Collection method: clinical testing. Allele origin: germline. Not counted in ClinVar's aggregate classification.
Comment: The c.1881_1884delCAGT pathogenic mutation, located in coding exon 9 of the BRCA1 gene, results from a deletion of 4 nucleotides at nucleotide positions 1881 to 1884, causing a translational frameshift with a predicted alternate stop codon (p.S628Efs*3). This alteration is expected to result in loss of function by premature protein truncation or nonsense-mediated mRNA decay. As such, this alteration is interpreted as a disease-causing mutation.

Labcorp Genetics (formerly Invitae), Labcorp
Classification: Pathogenic for Hereditary breast ovarian cancer syndrome. Last evaluated: 2025-03-14. Review status: criteria provided, single submitter. Criteria: Invitae Variant Classification Sherloc (09022015). Collection method: clinical testing. Allele origin: germline. Not counted in ClinVar's aggregate classification.
Comment: This sequence change creates a premature translational stop signal (p.Ser628Glufs*3) in the BRCA1 gene. It is expected to result in an absent or disrupted protein product. Loss-of-function variants in BRCA1 are known to be pathogenic (PMID: 20104584). This variant is present in population databases (rs80357567, gnomAD 0.003%). This premature translational stop signal has been observed in individual(s) with breast and/or ovarian cancer (PMID: 10486320, 28831036, 30702160). This variant is also known as 2000del4. ClinVar contains an entry for this variant (Variation ID: 54379). For these reasons, this variant has been classified as Pathogenic.

Clinical Genetics Laboratory, Skane University Hospital Lund
Classification: Pathogenic. Last evaluated: 2022-05-27. Review status: criteria provided, single submitter. Criteria: ACMG Guidelines, 2015. Collection method: clinical testing. Allele origin: germline. Affected: yes. Not counted in ClinVar's aggregate classification.

Color Diagnostics, LLC DBA Color Health
Classification: Pathogenic for Hereditary cancer-predisposing syndrome. Last evaluated: 2022-01-25. Review status: criteria provided, single submitter. Criteria: ACMG Guidelines, 2015. Collection method: clinical testing. Allele origin: germline. Not counted in ClinVar's aggregate classification.
Comment: This variant deletes 4 nucleotides in exon 10 of the BRCA1 gene, creating a frameshift and premature translation stop signal. This variant is expected to result in an absent or non-functional protein product. This variant has been reported in an individual affected with breast cancer, and families affected by breast, ovarian, and colorectal cancer (PMID: 10486320, 32393398). This variant has been identified in 1/251202 chromosomes in the general population by the Genome Aggregation Database (gnomAD). Loss of BRCA1 function is a known mechanism of disease. Based on the available evidence, this variant is classified as Pathogenic.

Women's Health and Genetics/Laboratory Corporation of America, LabCorp
Classification: Pathogenic for Hereditary breast and ovarian cancer syndrome. Last evaluated: 2019-09-16. Review status: criteria provided, single submitter. Criteria: LabCorp Variant Classification Summary - May 2015. Collection method: clinical testing. Allele origin: germline. Not counted in ClinVar's aggregate classification.
Comment: Variant summary: BRCA1 c.1881_1884delCAGT (p.Ser628GlufsX3) results in a premature termination codon, predicted to cause a truncation of the encoded protein or absence of the protein due to nonsense mediated decay, which are commonly known mechanisms for disease. The variant allele was found at a frequency of 4e-06 in 251202 control chromosomes (gnomAD). c.1881_1884delCAGT has been reported in the literature in multiple individuals affected with Hereditary Breast and Ovarian Cancer (Rebbeck_2018). These data indicate that the variant is very likely to be associated with disease. Six ClinVar submitters including an expert panel (ENIGMA) (evaluation after 2014) cite the variant as pathogenic. Based on the evidence outlined above, the variant was classified as pathogenic.

Human Genome Sequencing Center Clinical Lab, Baylor College of Medicine
Classification: Pathogenic for Familial breast-ovarian cancer 1. Last evaluated: 2019-06-26. Review status: criteria provided, single submitter. Criteria: ACMG Guidelines, 2015. Collection method: clinical testing. Allele origin: germline. Not counted in ClinVar's aggregate classification.
Comment: The c.1881_1884delCAGT (p.Ser628Glufs*3) variant in the BRCA1 gene is predicted to introduce a premature translational termination codon. This variant was reported in multiple individuals affected with breast cancer or ovarian cancer from three unrelated families (PMID 10486320, 18006916) and is extremely rare in general population. Therefore, this c.1881_1884delCAGT (p.Ser628Glufs*3) variant in the BRCA1 gene is classified as pathogenic.

GeneDx
Classification: Pathogenic. Last evaluated: 2017-07-03. Review status: criteria provided, single submitter. Criteria: GeneDx Variant Classification (06012015). Collection method: clinical testing. Allele origin: germline. Affected: yes. Not counted in ClinVar's aggregate classification.
Comment: This deletion of four nucleotides in BRCA1 is denoted c.1881_1884delCAGT at the cDNA level and p.Ser628GlufsX3 (S628EfsX3) at the protein level. The normal sequence, with the bases that are deleted in brackets, is TAGT[delCAGT]AGAA. The deletion causes a frameshift, which changes a Serine to a Glutamic Acid at codon 628, and creates a premature stop codon at position 3 of the new reading frame. This variant is predicted to cause loss of normal protein function through either protein truncation or nonsense-mediated mRNA decay. BRCA1 c.1881_1884delCAGT, also known as BRCA1 2000del4 using alternate nomenclature, has been reported in association with hereditary breast and ovarian cancer (Gayther 1999, Ang 2007, Kwong 2016). We consider this variant to be pathogenic.

Laboratory for Molecular Medicine, Mass General Brigham Personalized Medicine
Classification: Pathogenic for Hereditary breast ovarian cancer syndrome. Last evaluated: 2017-06-12. Review status: criteria provided, single submitter. Criteria: LMM Criteria. Collection method: clinical testing. Allele origin: germline. Inheritance: Autosomal dominant inheritance. Observed: 1 variant allele. Not counted in ClinVar's aggregate classification.
Comment: The p.Ser628fs variant in BRCA1 has been reported in at least 4 individuals with breast and or ovarian cancer and segregated with disease in 1 affected relative from 1 family (Gayther 1999, Breast Cancer Information (BIC) database). This va riant has also been identified in 1/33576 of Latino chromosomes by the Genome Ag gregation Database (gnomAD; dbSNP rs80357567); however, however, this frequency is low enough to be consistent with the freque ncy of HBOC in the general population. This variant is predicted to cause a fram eshift, which alters the protein?s amino acid sequence beginning at position 628 and leads to a premature termination codon 3 amino acids downstream. This alter ation is then predicted to lead to a truncated or absent protein. Heterozygous l oss of function of the BRCA1 gene is an established disease mechanism in heredit ary breast and ovarian cancer (HBOC). In addition, the p.Ser628fs variant was cl assified as Pathogenic on Sept 8, 2016 by the ClinGen-approved ENIGMA expert pan el (ClinVar SCV000299662.2). In summary, this variant meets criteria to be class ified as pathogenic for HBOC in an autosomal dominant manner based upon the pred icted impact to the protein and low frequency in controls.

PreventionGenetics, part of Exact Sciences
Classification: Pathogenic. Last evaluated: 2016-12-13. Review status: criteria provided, single submitter. Criteria: ACMG Guidelines, 2015. Collection method: clinical testing. Allele origin: germline. Not counted in ClinVar's aggregate classification.

Consortium of Investigators of Modifiers of BRCA1/2 (CIMBA), c/o University of Cambridge
Classification: Pathogenic for Breast-ovarian cancer, familial, susceptibility to, 1. Last evaluated: 2015-10-02. Review status: criteria provided, single submitter. Criteria: CIMBA Mutation Classification guidelines May 2016. Collection method: clinical testing. Allele origin: germline. Not counted in ClinVar's aggregate classification.

Clinical Genetics and Genomics, Karolinska University Hospital
Classification: Likely pathogenic. Last evaluated: 2015-02-24. Review status: criteria provided, single submitter. Criteria: ACMG Guidelines, 2015. Collection method: clinical testing. Allele origin: germline. Affected: yes. Observed: 1 variant allele. Not counted in ClinVar's aggregate classification.

BRCAlab, Lund University
Classification: Pathogenic for Breast-ovarian cancer, familial, susceptibility to, 1. Last evaluated: 2020-03-02. Review status: no assertion criteria provided. Collection method: clinical testing. Allele origin: germline. Affected: yes. Not counted in ClinVar's aggregate classification.

Sharing Clinical Reports Project (SCRP)
Classification: Pathogenic for Breast-ovarian cancer, familial 1. Last evaluated: 2008-02-08. Review status: no assertion criteria provided. Collection method: clinical testing. Allele origin: germline. Not counted in ClinVar's aggregate classification.

Breast Cancer Information Core (BIC) (BRCA1)
Classification: Pathogenic for Breast-ovarian cancer, familial 1. Last evaluated: 2002-05-29. Review status: no assertion criteria provided. Collection method: clinical testing. Allele origin: germline. Affected: yes. Observed: 3 variant alleles. Not counted in ClinVar's aggregate classification.

Center for Precision Medicine, Meizhou People's Hospital
Classification: Pathogenic for Familial cancer of breast. Review status: no assertion criteria provided. Collection method: literature only. Allele origin: germline. Affected: yes. Not counted in ClinVar's aggregate classification.

Literature cited by the submitters: PubMed 10486320 (cited by 5 submitters); PubMed 18006916 (cited by Ambry Genetics); PubMed 20104584 (cited by Labcorp Genetics (formerly Invitae), Labcorp and Center for Precision Medicine, Meizhou People's Hospital); PubMed 28831036 (cited by Labcorp Genetics (formerly Invitae), Labcorp and Center for Precision Medicine, Meizhou People's Hospital); PubMed 30702160 (cited by Labcorp Genetics (formerly Invitae), Labcorp and Center for Precision Medicine, Meizhou People's Hospital); PubMed 32393398 (cited by Color Diagnostics, LLC DBA Color Health); PubMed 29446198 (cited by Women's Health and Genetics/Laboratory Corporation of America, LabCorp).

NM_007294.4(BRCA1):c.1881_1884del (p.Ser628fs)

Gene: BRCA1 (BRCA1 DNA repair associated; minus strand). Cytogenetic location: 17q21.31.
Variant type: Deletion.
Coding change: c.1881_1884del on transcript NM_007294.4 (MANE Select); coding-DNA positions 1881 to 1884, 4 bases deleted (CAGT; older notation c.1881_1884delCAGT).
Protein change: p.Ser628fs; shifts the reading frame from serine 628.
Molecular consequence: frameshift variant. On other transcripts: intron variant (137).
Genome position (GRCh38, 1-based): chr17:43,093,647-43,093,650, ACTG deleted on the plus strand (CAGT on the coding strand, the reverse complement: BRCA1 is on the minus strand); deleting any 4 consecutive bases within chr17:43,093,647-43,093,653 gives the same sequence; the c. name uses the placement nearest the transcript's 3' end. VCF-style (leftmost placement, unchanged base first): chr17-43093646-TACTG-T. GRCh37 (hg19) VCF-style: chr17-41245663-TACTG-T.
Other names: 2000del4; c.1881_1884delCAGT (NM_007294.3); c.1617_1620del, p.Ser540fs (NM_001407933.1, NM_001407935.1, NM_001407920.1 and 9 more transcripts); c.1614_1617del, p.Ser539fs (NM_001407934.1, NM_001407936.1, NM_001407930.1 and 2 more transcripts); c.1758_1761del, p.Ser587fs (NM_001407937.1, NM_001407938.1, NM_001407939.1 and 19 more transcripts); c.1755_1758del, p.Ser586fs (NM_001407940.1, NM_001407941.1, NM_001407649.1 and 11 more transcripts); c.1740_1743del, p.Ser581fs (NM_001407942.1, NM_001407944.1, NM_001407945.1 and 29 more transcripts); c.1737_1740del, p.Ser580fs (NM_001407943.1, NM_001407964.1, NM_001407740.1 and 20 more transcripts); and 42 more; short protein forms S581fs, S628fs, S500fs, S516fs, S517fs, S540fs, S560fs, S561fs.
Identifiers: ClinVar variation 54379 (VCV000054379.28), dbSNP rs80357567, ClinGen allele CA001222.